The following is an entry in ClinVar:

ClinVar aggregate classification (germline): Conflicting classifications of pathogenicity. Review status: criteria provided, conflicting classifications (1 of 4 stars). 4 submissions from 4 submitters: Uncertain significance (2); Likely benign (1). 1 of the submissions does not count toward it. Last evaluated 2025-06-18.

Conditions:
Hereditary cancer-predisposing syndrome. Also called: Neoplastic Syndromes, Hereditary; Tumor predisposition; Hereditary Cancer Syndrome; Hereditary neoplastic syndrome. Identifiers: Orphanet 140162, MedGen C0027672, MeSH D009386, MONDO:0015356.
Breast-ovarian cancer, familial, susceptibility to, 2 (BROVCA2). Also called: BRCA2 Hereditary Breast and Ovarian Cancer. Identifiers: Orphanet 145, MedGen C2675520, MONDO:0012933, OMIM 612555. Disease mechanism: loss of function.
BRCA2-related cancer predisposition. Identifiers: MedGen CN377758, MONDO:0700269.

Submissions (4):

Color Diagnostics, LLC DBA Color Health
Classification: Uncertain significance for Hereditary cancer-predisposing syndrome. Last evaluated: 2025-06-18. Review status: criteria provided, single submitter. Criteria: ACMG Guidelines, 2015. Collection method: clinical testing. Allele origin: germline.
Comment: This missense variant replaces glutamine with lysine at codon 754 of the BRCA2 protein. Computational prediction suggests that this variant may not impact protein structure and function. To our knowledge, functional studies have not been reported for this variant. This variant has not been reported in individuals affected with BRCA2-related disorders in the literature. This variant has not been identified in the general population by the Genome Aggregation Database (gnomAD). The available evidence is insufficient to determine the role of this variant in disease conclusively. Therefore, this variant is classified as a Variant of Uncertain Significance.

All of Us Research Program, National Institutes of Health
Classification: Uncertain significance for BRCA2-related cancer predisposition. Last evaluated: 2024-03-05. Review status: criteria provided, single submitter. Criteria: ACMG Guidelines, 2015. Collection method: clinical testing. Allele origin: germline. Inheritance: Autosomal dominant inheritance. Observed: 1 variant allele, 1 heterozygote.
Comment: This study involves interpretation of variants in research participants for the purpose of population health screening. Participant phenotype was not available at the time of variant classification. Additional details can be found in publication PMID: 35346344, PMCID: PMC8962531

University of Washington Department of Laboratory Medicine, University of Washington
Classification: Likely benign for Hereditary cancer-predisposing syndrome. Last evaluated: 2023-03-23. Review status: criteria provided, single submitter. Criteria: Dines et al. (Genet Med. 2020). Collection method: curation. Allele origin: germline.
Comment: Missense variant in a coldspot region where missense variants are very unlikely to be pathogenic (PMID:31911673).

BRCA2 exon 11 coldspot. Reclassification based on statistical prior probability.

Breast Cancer Information Core (BIC) (BRCA2)
Classification: Uncertain significance for Breast-ovarian cancer, familial 2. Last evaluated: 2003-12-23. Review status: no assertion criteria provided. Collection method: clinical testing. Allele origin: germline. Affected: yes. Observed: 1 variant allele. Not counted in ClinVar's aggregate classification.

NM_000059.4(BRCA2):c.2260C>A (p.Gln754Lys)

Gene: BRCA2 (BRCA2 DNA repair associated; plus strand). Cytogenetic location: 13q13.1.
Variant type: single nucleotide variant.
Coding change: c.2260C>A on transcript NM_000059.4 (MANE Select); coding-DNA position 2260, C replaced by A.
Protein change: p.Gln754Lys; replaces glutamine 754 with lysine.
Molecular consequence: missense variant.
Genome position (GRCh38, 1-based): chr13:32,336,615, C>A. VCF-style: chr13-32336615-C-A. GRCh37 (hg19) VCF-style: chr13-32910752-C-A.
Other names: short protein forms Q754K.
Identifiers: ClinVar variation 51262 (VCV000051262.6), dbSNP rs80358496, ClinGen allele CA014802.